The following is an entry in ClinVar:

NM_006231.4(POLE):c.4812G>C (p.Glu1604Asp)

Gene: POLE (DNA polymerase epsilon, catalytic subunit; minus strand). Cytogenetic location: 12q24.33.
Variant type: single nucleotide variant.
Coding change: c.4812G>C on transcript NM_006231.4 (MANE Select); coding-DNA position 4812, G replaced by C.
Protein change: p.Glu1604Asp; replaces glutamic acid 1604 with aspartic acid.
Molecular consequence: missense variant.
Genome position (GRCh38, 1-based): chr12:132,642,646, C>G on the plus strand (G>C on the coding strand, the complement: POLE is on the minus strand). VCF-style: chr12-132642646-C-G. GRCh37 (hg19) VCF-style: chr12-133219232-C-G.
Other names: short protein forms E1604D.
Identifiers: ClinVar variation 421083 (VCV000421083.16), dbSNP rs1064794898, ClinGen allele CA16619461.
Genomic context (GRCh38, chr12:132,642,646, plus strand): 5'-CCAGTCCAGGACCCCATAGTTGATCTTGTCAGCCACACAGATAGGCACCAGTGGGAATTC[C>G]TCCAAGACAGGAATTTCACTGGCCAGCCTCTTCAGCTCCCAGCTGGACTGAACAGCGATG-3'
Protein context (NP_006222.2, residues 1594-1614): KRLASEIPVL[Glu1604Asp]EFPLVPICVA

ClinVar aggregate classification (germline): Uncertain significance. Review status: criteria provided, multiple submitters, no conflicts (2 of 4 stars). 3 submissions from 3 submitters: Uncertain significance (3). Last evaluated 2025-08-12.

Conditions:
Hereditary cancer-predisposing syndrome. Also called: Hereditary neoplastic syndrome; Tumor predisposition; Neoplastic Syndromes, Hereditary; Hereditary Cancer Syndrome. Identifiers: Orphanet 140162, MedGen C0027672, MeSH D009386, MONDO:0015356.

Allele frequency attached by ClinVar (database versions not stated): TOPMed below 0.00001; gnomAD 0.00001; gnomAD exomes 0.00001.
gnomAD v4.1: 9 of 1,613,226 alleles (0.00056%); highest among the groups gnomAD compares: Non-Finnish European, 0.00076%; no homozygotes.

Submissions (3):

Labcorp Genetics (formerly Invitae), Labcorp
Classification: Uncertain significance. Last evaluated: 2025-08-12. Review status: criteria provided, single submitter. Criteria: Invitae Variant Classification Sherloc (09022015). Collection method: clinical testing. Allele origin: germline.
Comment: This sequence change replaces glutamic acid, which is acidic and polar, with aspartic acid, which is acidic and polar, at codon 1604 of the POLE protein (p.Glu1604Asp). This variant is not present in population databases (gnomAD no frequency). This variant has not been reported in the literature in individuals affected with POLE-related conditions. ClinVar contains an entry for this variant (Variation ID: 421083). Invitae Evidence Modeling of protein sequence and biophysical properties (such as structural, functional, and spatial information, amino acid conservation, physicochemical variation, residue mobility, and thermodynamic stability) indicates that this missense variant is not expected to disrupt POLE protein function with a negative predictive value of 80%. In summary, the available evidence is currently insufficient to determine the role of this variant in disease. Therefore, it has been classified as a Variant of Uncertain Significance.

Ambry Genetics
Classification: Uncertain significance for Hereditary cancer-predisposing syndrome. Last evaluated: 2024-06-22. Review status: criteria provided, single submitter. Criteria: Ambry Variant Classification Scheme 2023. Collection method: clinical testing. Allele origin: germline.
Comment: The p.E1604D variant (also known as c.4812G>C), located in coding exon 37 of the POLE gene, results from a G to C substitution at nucleotide position 4812. The glutamic acid at codon 1604 is replaced by aspartic acid, an amino acid with highly similar properties. This amino acid position is conserved. In addition, this alteration is predicted to be tolerated by in silico analysis. Since supporting evidence is limited at this time, the clinical significance of this alteration remains unclear.

GeneDx
Classification: Uncertain significance. Last evaluated: 2022-12-23. Review status: criteria provided, single submitter. Criteria: GeneDx Variant Classification Process June 2021. Collection method: clinical testing. Allele origin: germline. Affected: yes.
Comment: Not observed at significant frequency in large population cohorts (gnomAD); In silico analysis supports that this missense variant does not alter protein structure/function; Has not been previously published as pathogenic or benign to our knowledge; This variant is associated with the following publications: (PMID: 29056344)